The following is an entry in ClinVar:

NM_001385641.1(SAMD11):c.1571A>G (p.Asp524Gly)

Gene: SAMD11 (sterile alpha motif domain containing 11; plus strand). Cytogenetic location: 1p36.33.
Variant type: single nucleotide variant.
Coding change: c.1571A>G on transcript NM_001385641.1 (MANE Select); coding-DNA position 1571, A replaced by G.
Protein change: p.Asp524Gly; replaces aspartic acid 524 with glycine.
Molecular consequence: missense variant.
Genome position (GRCh38, 1-based): chr1:942,576, A>G. VCF-style: chr1-942576-A-G. GRCh37 (hg19) VCF-style: chr1-877956-A-G.
Other names: c.1574A>G, p.Asp525Gly (NM_001385640.1); c.1082A>G, p.Asp361Gly (NM_152486.4); short protein forms D524G, D525G, D361G.
Identifiers: ClinVar variation 2063332 (VCV002063332.4), dbSNP rs2100358823, ClinGen allele CA337808054.
Genomic context (GRCh38, chr1:942,576, plus strand): 5'-CGCGGCCCGGGAGGCGGCTGACCCGCGTCTGCCCCCGGCCCAGGCTGGAGCTGCCCGCCG[A>G]CCTCCTGCGGCAGAAGGAGCTGGAGAGCGCGCGCCCACAGCTGCTGGCGCCCGAGACCGC-3'
Protein context (NP_001372570.1, residues 514-534): QNLARLELPA[Asp524Gly]LLRQKELESA

ClinVar aggregate classification (germline): Uncertain significance (1 of 4 stars; one submission).

Allele frequency attached by ClinVar (database versions not stated): gnomAD exomes below 0.00001.
gnomAD v4.1: 2 of 1,406,730 alleles (0.00014%); highest among the groups gnomAD compares: Non-Finnish European, 0.00018%; no homozygotes.

Submission:

Labcorp Genetics (formerly Invitae), Labcorp
Classification: Uncertain significance. Last evaluated: 2021-12-27. Review status: criteria provided, single submitter. Criteria: Invitae Variant Classification Sherloc (09022015). Collection method: clinical testing. Allele origin: germline.
Comment: This variant has not been reported in the literature in individuals affected with SAMD11-related conditions. Algorithms developed to predict the effect of missense changes on protein structure and function are either unavailable or do not agree on the potential impact of this missense change (SIFT: "Deleterious"; PolyPhen-2: "Benign"; Align-GVGD: "Class C0"). In summary, the available evidence is currently insufficient to determine the role of this variant in disease. Therefore, it has been classified as a Variant of Uncertain Significance. This variant is not present in population databases (gnomAD no frequency). This sequence change replaces aspartic acid, which is acidic and polar, with glycine, which is neutral and non-polar, at codon 361 of the SAMD11 protein (p.Asp361Gly).